The following is an entry in ClinVar:

NM_001199138.2(NLRC4):c.1511C>T (p.Ala504Val)

Gene: NLRC4 (NLR family CARD domain containing 4; minus strand). Cytogenetic location: 2p22.3.
Variant type: single nucleotide variant.
Coding change: c.1511C>T on transcript NM_001199138.2 (MANE Select); coding-DNA position 1511, C replaced by T.
Protein change: p.Ala504Val; replaces alanine 504 with valine.
Molecular consequence: missense variant. On other transcripts: intron variant (1).
Genome position (GRCh38, 1-based): chr2:32,250,353, G>A on the plus strand (C>T on the coding strand, the complement: NLRC4 is on the minus strand). VCF-style: chr2-32250353-G-A. GRCh37 (hg19) VCF-style: chr2-32475422-G-A.
Other names: c.1511C>T, p.Ala504Val (NM_001199139.2, NM_021209.5); c.262+2066C>T (NM_001302504.1); short protein forms A504V.
Identifiers: ClinVar variation 430405 (VCV000430405.2), dbSNP rs1131691947, ClinGen allele CA346512308.

ClinVar aggregate classification (germline): Uncertain significance (1 of 4 stars; one submission).

Submission:

GeneDx
Classification: Uncertain significance. Last evaluated: 2017-05-25. Review status: criteria provided, single submitter. Criteria: GeneDx Variant Classification (06012015). Collection method: clinical testing. Allele origin: germline. Affected: yes.
Comment: The A504V variant in the NLRC4 gene has not been reported previously as a pathogenic variant, nor as a benign variant, to our knowledge. The A504V variant is not observed in large population cohorts (Lek et al., 2016; 1000 Genomes Consortium et al., 2015; Exome Variant Server). The A504V variant is a conservative amino acid substitution, which is not likely to impact secondary protein structure as these residues share similar properties. This substitution occurs at a position that is not conserved, and in silico analysis predicts this variant likely does not alter the protein structure/function. We interpret A504V as a variant of uncertain significance.